The following is an entry in ClinVar:

NM_021008.4(DEAF1):c.1173G>C (p.Glu391Asp)

Gene: DEAF1 (DEAF1 transcription factor; minus strand). Cytogenetic location: 11p15.5.
Variant type: single nucleotide variant.
Coding change: c.1173G>C on transcript NM_021008.4 (MANE Select); coding-DNA position 1173, G replaced by C.
Protein change: p.Glu391Asp; replaces glutamic acid 391 with aspartic acid.
Molecular consequence: missense variant.
Genome position (GRCh38, 1-based): chr11:678,776, C>G on the plus strand (G>C on the coding strand, the complement: DEAF1 is on the minus strand). VCF-style: chr11-678776-C-G. GRCh37 (hg19) VCF-style: chr11-678776-C-G.
Other names: c.906G>C, p.Glu302Asp (NM_001293634.2); c.447G>C, p.Glu149Asp (NM_001367390.1); short protein forms E302D, E391D, E149D.
Identifiers: ClinVar variation 2050728 (VCV002050728.4), dbSNP rs1044062397, ClinGen allele CA216903062.

ClinVar aggregate classification (germline): Uncertain significance (1 of 4 stars; one submission).

Allele frequency attached by ClinVar (database versions not stated): gnomAD 0.00001; gnomAD exomes 0.00001; TOPMed 0.00004.

Submission:

Labcorp Genetics (formerly Invitae), Labcorp
Classification: Uncertain significance. Last evaluated: 2025-03-16. Review status: criteria provided, single submitter. Criteria: Invitae Variant Classification Sherloc (09022015). Collection method: clinical testing. Allele origin: germline.
Comment: This sequence change replaces glutamic acid, which is acidic and polar, with aspartic acid, which is acidic and polar, at codon 391 of the DEAF1 protein (p.Glu391Asp). This variant is present in population databases (no rsID available, gnomAD 0.01%). This variant has not been reported in the literature in individuals affected with DEAF1-related conditions. ClinVar contains an entry for this variant (Variation ID: 2050728). Invitae Evidence Modeling of protein sequence and biophysical properties (such as structural, functional, and spatial information, amino acid conservation, physicochemical variation, residue mobility, and thermodynamic stability) indicates that this missense variant is not expected to disrupt DEAF1 protein function with a negative predictive value of 95%. In summary, the available evidence is currently insufficient to determine the role of this variant in disease. Therefore, it has been classified as a Variant of Uncertain Significance.